The following is an entry in ClinVar:

NM_000540.3(RYR1):c.5872C>G (p.Leu1958Val)

Gene: RYR1 (ryanodine receptor 1; plus strand). Cytogenetic location: 19q13.2.
Variant type: single nucleotide variant.
Coding change: c.5872C>G on transcript NM_000540.3 (MANE Select); coding-DNA position 5872, C replaced by G.
Protein change: p.Leu1958Val; replaces leucine 1958 with valine.
Molecular consequence: missense variant.
Genome position (GRCh38, 1-based): chr19:38,490,133, C>G. VCF-style: chr19-38490133-C-G. GRCh37 (hg19) VCF-style: chr19-38980773-C-G.
Other names: c.5872C>G, p.Leu1958Val (NM_001042723.2); short protein forms L1958V.
Identifiers: ClinVar variation 3771341 (VCV003771341.13).

ClinVar aggregate classification (germline): Uncertain significance (1 of 4 stars; one submission).

gnomAD v4.1: 1 of 1,614,230 alleles (0.000062%); highest among the groups gnomAD compares: East Asian, 0.0022%; no homozygotes.

Submission:

CeGaT Center for Human Genetics Tuebingen
Classification: Uncertain significance. Last evaluated: 2025-02-01. Review status: criteria provided, single submitter. Criteria: CeGaT Center For Human Genetics Tuebingen Variant Classification Criteria Version 2. Collection method: clinical testing. Allele origin: germline. Affected: yes. Observed: 1 variant allele.
Comment: RYR1: PM2